The following is an entry in ClinVar:

ClinVar aggregate classification (germline): Uncertain significance (1 of 4 stars; one submission).

Submission:

Labcorp Genetics (formerly Invitae), Labcorp
Classification: Uncertain significance. Last evaluated: 2022-07-15. Review status: criteria provided, single submitter. Criteria: Invitae Variant Classification Sherloc (09022015). Collection method: clinical testing. Allele origin: germline.
Comment: In summary, the available evidence is currently insufficient to determine the role of this variant in disease. Therefore, it has been classified as a Variant of Uncertain Significance. This sequence change replaces histidine, which is basic and polar, with arginine, which is basic and polar, at codon 490 of the NBEA protein (p.His490Arg). This variant is not present in population databases (gnomAD no frequency). This variant has not been reported in the literature in individuals affected with NBEA-related conditions. Algorithms developed to predict the effect of missense changes on protein structure and function are either unavailable or do not agree on the potential impact of this missense change (SIFT: "Tolerated"; PolyPhen-2: "Possibly Damaging"; Align-GVGD: "Class C0").

NM_001385012.1(NBEA):c.1469A>G (p.His490Arg)

Gene: NBEA (neurobeachin; plus strand). Cytogenetic location: 13q13.3.
Variant type: single nucleotide variant.
Coding change: c.1469A>G on transcript NM_001385012.1 (MANE Select); coding-DNA position 1469, A replaced by G.
Protein change: p.His490Arg; replaces histidine 490 with arginine.
Molecular consequence: missense variant.
Genome position (GRCh38, 1-based): chr13:35,070,750, A>G. VCF-style: chr13-35070750-A-G. GRCh37 (hg19) VCF-style: chr13-35644887-A-G.
Other names: c.1469A>G, p.His490Arg (NM_001379245.1, NM_015678.5); short protein forms H490R.
Identifiers: ClinVar variation 2017466 (VCV002017466.4), dbSNP rs2502570058, ClinGen allele CA387969912.